The following is an entry in ClinVar:

NM_005159.5(ACTC1):c.149G>C (p.Gly50Ala)

Genes: ACTC1 (actin alpha cardiac muscle 1; minus strand), GJD2-DT (GJD2 divergent transcript; plus strand). Cytogenetic location: 15q14.
Variant type: single nucleotide variant.
Coding change: c.149G>C on transcript NM_005159.5 (MANE Select); coding-DNA position 149, G replaced by C.
Protein change: p.Gly50Ala; replaces glycine 50 with alanine.
Molecular consequence: missense variant. On other transcripts: 5 prime UTR variant (1).
Genome position (GRCh38, 1-based): chr15:34,793,550, C>G on the plus strand (G>C on the coding strand, the complement: ACTC1 is on the minus strand). VCF-style: chr15-34793550-C-G. GRCh37 (hg19) VCF-style: chr15-35085751-C-G.
Other names: c.149G>C, p.Gly50Ala (NM_001406482.1, NM_001406483.1); c.14G>C, p.Gly5Ala (NM_001406484.1); c.-240G>C (NM_001406485.1); short protein forms G50A, G5A.
Identifiers: ClinVar variation 3894778 (VCV003894778.2).

ClinVar aggregate classification (germline): Likely pathogenic (1 of 4 stars; one submission).

Conditions:
Cardiovascular phenotype. Identifiers: MedGen CN230736.

Submission:

Molecular Diagnostic Laboratory for Inherited Cardiovascular Disease, Montreal Heart Institute
Classification: Likely pathogenic for Cardiovascular phenotype. Last evaluated: 2026-06-23. Review status: criteria provided, single submitter. Criteria: ACMG Guidelines, 2015. Collection method: clinical testing. Allele origin: germline. Affected: yes.
Comment: PM2, PM5, PP2, PP3